The following is an entry in ClinVar:

NM_001903.5(CTNNA1):c.2554_2555insGAC (p.Ser851_Leu852insArg)

Gene: CTNNA1 (catenin alpha 1; plus strand). Cytogenetic location: 5q31.2.
Variant type: Insertion.
Coding change: c.2554_2555insGAC on transcript NM_001903.5 (MANE Select); coding-DNA positions 2554 to 2555, GAC inserted.
Protein change: p.Ser851_Leu852insArg.
Molecular consequence: inframe insertion. On other transcripts: 3 prime UTR variant (5).
Genome position: GRCh38 VCF-style: chr5-138933921-C-CCGA. GRCh37 (hg19) VCF-style: chr5-138269610-C-CCGA.
Other names: c.*99_*100insGAC (NM_001290307.3, NM_001324002.1, NM_001324003.1 and 2 more transcripts); c.2245_2246insGAC, p.Ser748_Leu749insArg (NM_001290309.3); c.2185_2186insGAC, p.Ser728_Leu729insArg (NM_001290310.3); c.1444_1445insGAC, p.Ser481_Leu482insArg (NM_001290312.1, NM_001323987.1, NM_001323988.1 and 12 more transcripts); c.2554_2555insGAC, p.Ser851_Leu852insArg (NM_001323982.2, NM_001323983.1, NM_001323984.2); c.2527_2528insGAC, p.Ser842_Leu843insArg (NM_001323985.2); c.2461_2462insGAC, p.Ser820_Leu821insArg (NM_001323986.2); c.1309_1310insGAC, p.Ser436_Leu437insArg (NM_001324001.1); and 3 more.
Identifiers: ClinVar variation 1792989 (VCV001792989.2), dbSNP rs2533951655, ClinGen allele CA2580072894.

ClinVar aggregate classification (germline): Uncertain significance (1 of 4 stars; one submission).

Conditions:
Hereditary cancer-predisposing syndrome. Also called: Tumor predisposition; Hereditary Cancer Syndrome; Neoplastic Syndromes, Hereditary; Hereditary neoplastic syndrome. Identifiers: Orphanet 140162, MedGen C0027672, MeSH D009386, MONDO:0015356.

Submission:

Ambry Genetics
Classification: Uncertain significance for Hereditary cancer-predisposing syndrome. Last evaluated: 2022-05-05. Review status: criteria provided, single submitter. Criteria: Ambry Variant Classification Scheme 2023. Collection method: clinical testing. Allele origin: germline.
Comment: The c.2554_2555insGAC variant (also known as p.S851_L852insR), located in coding exon 17 of the CTNNA1 gene, results from an in-frame GAC insertion at nucleotide positions 2554 to 2555. This results in the insertion of an extra arginine residue between codons 851 and 852. This amino acid region is well conserved in available vertebrate species. The evidence for this gene-disease relationship is limited; therefore, the clinical significance of this alteration is unclear.